The following is an entry in ClinVar:

NM_001754.5(RUNX1):c.351+4C>T

Gene: RUNX1 (RUNX family transcription factor 1; minus strand). Cytogenetic location: 21q22.12.
Variant type: single nucleotide variant.
Coding change: c.351+4C>T on transcript NM_001754.5 (MANE Select); 4 bases into the intron after coding-DNA position 351, C replaced by T.
Molecular consequence: intron variant.
Genome position (GRCh38, 1-based): chr21:34,886,839, G>A on the plus strand (C>T on the coding strand, the complement: RUNX1 is on the minus strand). VCF-style: chr21-34886839-G-A. GRCh37 (hg19) VCF-style: chr21-36259136-G-A.
Other names: c.270+4C>T (NM_001001890.3, NM_001122607.2).
Identifiers: ClinVar variation 964490 (VCV000964490.9), dbSNP rs1229295922, ClinGen allele CA1139666849.

ClinVar aggregate classification (germline): Likely benign. Review status: reviewed by expert panel (3 of 4 stars). 3 submissions from 3 submitters: Likely benign (1). 2 of the submissions do not count toward it. Last evaluated 2024-11-04.

Conditions:
Inborn genetic diseases. Identifiers: MedGen C0950123, MeSH D030342.
Hereditary thrombocytopenia and hematological cancer predisposition syndrome associated with RUNX1. Also called: Familial Platelet Disorder with Propensity to Acute Myelogenous Leukemia; Familial thrombocytopenia with propensity to acute myelogenous leukemia; RUNX1 Familial Platelet Disorder with Associated Myeloid Malignancies; PLATELET DISORDER, ASPIRIN-LIKE. Identifiers: Orphanet 71290, MedGen C1832388, MeSH C563324, MONDO:0100083, OMIM 601399.
Hereditary thrombocytopenia and hematologic cancer predisposition syndrome. Identifiers: Orphanet 71290, MedGen CN281654, MONDO:0011071.

Submissions (3):

ClinGen Myeloid Malignancy Variant Curation Expert Panel
Classification: Likely benign for Hereditary thrombocytopenia and hematologic cancer predisposition syndrome. Last evaluated: 2024-11-04. Review status: reviewed by expert panel. Criteria: ClinGen MyeloMalig ACMG Specifications v2. Collection method: curation. Allele origin: germline. Inheritance: Autosomal dominant inheritance.
Comment: NM_001754.5(RUNX1):c.351+4C>T is an intronic variant which has a SpliceAI score ≤ 0.20 (0.01) (BP4). This variant has a SpliceAI score ≤ 0.20 (0.01) and evolutionary conservation prediction algorithms predict the site as not being conserved (PhyloP score ≤ 2.0 (0.53) (BP7). This variant is completely absent from all population databases with at least 20x coverage for RUNX1 (PM2_Supporting). In summary, this variant meets criteria to be classified as likely benign. ACMG/AMP criteria applied, as specified by the Myeloid Malignancy Variant Curation Expert Panel for RUNX1: BP4, BP7, PM2_supporting.

Ambry Genetics
Classification: Uncertain significance for Inborn genetic diseases. Last evaluated: 2025-01-14. Review status: criteria provided, single submitter. Criteria: Ambry Variant Classification Scheme 2023. Collection method: clinical testing. Allele origin: germline. Not counted in ClinVar's aggregate classification.
Comment: The c.351+4C>T intronic variant results from a C to T substitution 4 nucleotides after coding exon 3 in the RUNX1 gene. This nucleotide position is well conserved in available vertebrate species. In silico splice site analysis predicts that this alteration will not have any significant effect on splicing. Based on the available evidence, the clinical significance of this variant remains unclear.

Labcorp Genetics (formerly Invitae), Labcorp
Classification: Uncertain significance for Hereditary thrombocytopenia and hematological cancer predisposition syndrome associated with RUNX1. Last evaluated: 2019-11-06. Review status: criteria provided, single submitter. Criteria: Invitae Variant Classification Sherloc (09022015). Collection method: clinical testing. Allele origin: germline. Not counted in ClinVar's aggregate classification.
Comment: This sequence change falls in intron 4 of the RUNX1 gene. It does not directly change the encoded amino acid sequence of the RUNX1 protein, but it affects a nucleotide within the consensus splice site of the intron. This variant is not present in population databases (ExAC no frequency). This variant has not been reported in the literature in individuals with RUNX1-related conditions. Nucleotide substitutions within the consensus splice site are a relatively common cause of aberrant splicing (PMID: 17576681, 9536098). Algorithms developed to predict the effect of sequence changes on RNA splicing suggest that this variant is not likely to affect RNA splicing, but this prediction has not been confirmed by published transcriptional studies. In summary, the available evidence is currently insufficient to determine the role of this variant in disease. Therefore, it has been classified as a Variant of Uncertain Significance.

Literature cited by the submitters: PubMed 17576681 (cited by Labcorp Genetics (formerly Invitae), Labcorp); PubMed 9536098 (cited by Labcorp Genetics (formerly Invitae), Labcorp).